The following is an entry in ClinVar:

NM_000271.5(NPC1):c.187T>C (p.Cys63Arg)

Gene: NPC1 (NPC intracellular cholesterol transporter 1; minus strand). Cytogenetic location: 18q11.2.
Variant type: single nucleotide variant.
Coding change: c.187T>C on transcript NM_000271.5 (MANE Select); coding-DNA position 187, T replaced by C.
Protein change: p.Cys63Arg; replaces cysteine 63 with arginine.
Molecular consequence: missense variant.
Genome position (GRCh38, 1-based): chr18:23,572,174, A>G on the plus strand (T>C on the coding strand, the complement: NPC1 is on the minus strand). VCF-style: chr18-23572174-A-G. GRCh37 (hg19) VCF-style: chr18-21152138-A-G.
Other names: short protein forms C63R.
Identifiers: ClinVar variation 2138139 (VCV002138139.7), dbSNP rs747049347, ClinGen allele CA8913794.

ClinVar aggregate classification (germline): Likely pathogenic. Review status: criteria provided, multiple submitters, no conflicts (2 of 4 stars). 2 submissions from 2 submitters: Likely pathogenic (2). Last evaluated 2025-10-24.

Conditions:
Niemann-Pick disease, type C1. Also called: NEUROVISCERAL STORAGE DISEASE WITH VERTICAL SUPRANUCLEAR OPHTHALMOPLEGIA; NIEMANN-PICK DISEASE WITH CHOLESTEROL ESTERIFICATION BLOCK; NIEMANN-PICK DISEASE WITHOUT SPHINGOMYELINASE DEFICIENCY; NIEMANN-PICK DISEASE, CHRONIC NEURONOPATHIC FORM; NIEMANN-PICK DISEASE, VARIANT TYPE C1. Identifiers: Orphanet 646, MedGen C3179455, MONDO:0009757, OMIM 257220.
Niemann-Pick disease, type C (NPC). Identifiers: Orphanet 646, MedGen C0220756, MONDO:0018982.

Allele frequency attached by ClinVar (database versions not stated): gnomAD exomes below 0.00001; TOPMed below 0.00001; ExAC 0.00001; gnomAD 0.00001.

Submissions (2):

Women's Health and Genetics/Laboratory Corporation of America, LabCorp
Classification: Likely pathogenic for Niemann-Pick disease, type C. Last evaluated: 2025-10-24. Review status: criteria provided, single submitter. Criteria: LabCorp Variant Classification Summary - May 2015. Collection method: clinical testing. Allele origin: germline.
Comment: Variant summary: NPC1 c.187T>C (p.Cys63Arg) results in a non-conservative amino acid change located in the Niemann-Pick C1, N-terminal domain (IPR032190) of the encoded protein sequence. Algorithms developed to predict the effect of missense changes on protein structure and function all suggest that this variant is likely to be disruptive. The variant was absent in 250928 control chromosomes. c.187T>C has been observed in at least one individual affected with Niemann-Pick Disease Type C (example: Meiner_2001). These data indicate that the variant may be associated with disease. Functional studies suggest this variant affects NPC1 trafficking (example: Wang_2019, Wang_2020). The following publications have been ascertained in the context of this evaluation (PMID: 11545687, 31699992, 31509197). ClinVar contains an entry for this variant (Variation ID: 2138139). Based on the evidence outlined above, the variant was classified as likely pathogenic.

Labcorp Genetics (formerly Invitae), Labcorp
Classification: Likely pathogenic for Niemann-Pick disease, type C1. Last evaluated: 2022-10-05. Review status: criteria provided, single submitter. Criteria: Invitae Variant Classification Sherloc (09022015). Collection method: clinical testing. Allele origin: germline.
Comment: In summary, the currently available evidence indicates that the variant is pathogenic, but additional data are needed to prove that conclusively. Therefore, this variant has been classified as Likely Pathogenic. Advanced modeling of protein sequence and biophysical properties (such as structural, functional, and spatial information, amino acid conservation, physicochemical variation, residue mobility, and thermodynamic stability) performed at Invitae indicates that this missense variant is expected to disrupt NPC1 protein function. This missense change has been observed in individual(s) with Niemann-Pick Type C (PMID: 11545687). This variant is not present in population databases (gnomAD no frequency). This sequence change replaces cysteine, which is neutral and slightly polar, with arginine, which is basic and polar, at codon 63 of the NPC1 protein (p.Cys63Arg).

Literature cited by the submitters: PubMed 11545687 (cited by Women's Health and Genetics/Laboratory Corporation of America, LabCorp and Labcorp Genetics (formerly Invitae), Labcorp); PubMed 31699992 (cited by Women's Health and Genetics/Laboratory Corporation of America, LabCorp); PubMed 31509197 (cited by Women's Health and Genetics/Laboratory Corporation of America, LabCorp).